The following is an entry in ClinVar:

NM_000443.4(ABCB4):c.364G>C (p.Gly122Arg)

Gene: ABCB4 (ATP binding cassette subfamily B member 4; minus strand). Cytogenetic location: 7q21.12.
Variant type: single nucleotide variant.
Coding change: c.364G>C on transcript NM_000443.4 (MANE Select); coding-DNA position 364, G replaced by C.
Protein change: p.Gly122Arg; replaces glycine 122 with arginine.
Molecular consequence: missense variant.
Genome position (GRCh38, 1-based): chr7:87,453,116, C>G on the plus strand (G>C on the coding strand, the complement: ABCB4 is on the minus strand). VCF-style: chr7-87453116-C-G. GRCh37 (hg19) VCF-style: chr7-87082432-C-G.
Other names: c.364G>C, p.Gly122Arg (NM_018849.3, NM_018850.3); short protein forms G122R.
Identifiers: ClinVar variation 3376126 (VCV003376126.4).

ClinVar aggregate classification (germline): Likely pathogenic (1 of 4 stars; one submission).

Conditions:
Low phospholipid associated cholelithiasis (GBD1). Also called: Gallstone cholecystitis; Gallbladder disease 1. Identifiers: Orphanet 69663, MedGen C2609268, MONDO:0010939, OMIM 600803.

gnomAD v4.1: 1 of 1,613,986 alleles (0.000062%); highest among the groups gnomAD compares: South Asian, 0.0011%; no homozygotes.

Submission:

Institute of Human Genetics, University of Leipzig Medical Center
Classification: Likely pathogenic for Low phospholipid associated cholelithiasis. Last evaluated: 2024-10-28. Review status: criteria provided, single submitter. Criteria: ACMG Guidelines, 2015. Collection method: clinical testing. Allele origin: unknown. Inheritance: Autosomal dominant inheritance. Affected: yes.
Comment: Criteria applied: PM1,PM2,PM3_SUP,PP3